The following is an entry in ClinVar:

NM_003803.4(MYOM1):c.3261G>A (p.Trp1087Ter)

Gene: MYOM1 (myomesin 1; minus strand). Cytogenetic location: 18p11.31.
Variant type: single nucleotide variant.
Coding change: c.3261G>A on transcript NM_003803.4 (MANE Select); coding-DNA position 3261, G replaced by A.
Protein change: p.Trp1087Ter; replaces tryptophan 1087 with a stop codon.
Molecular consequence: nonsense.
Genome position (GRCh38, 1-based): chr18:3,116,373, C>T on the plus strand (G>A on the coding strand, the complement: MYOM1 is on the minus strand). VCF-style: chr18-3116373-C-T. GRCh37 (hg19) VCF-style: chr18-3116371-C-T.
Other names: c.2973G>A, p.Trp991Ter (NM_019856.2); short protein forms W1087*, W991*.
Identifiers: ClinVar variation 1422387 (VCV001422387.6), dbSNP rs989927725, ClinGen allele CA295504618.

ClinVar aggregate classification (germline): Uncertain significance (1 of 4 stars; one submission).

Conditions:
Hypertrophic cardiomyopathy. Also called: HYPERTROPHIC MYOCARDIOPATHY. Identifiers: Orphanet 217569, MedGen C0007194, MeSH D002312, MONDO:0005045, HP:0001639.

Allele frequency attached by ClinVar (database versions not stated): gnomAD 0.00001; gnomAD exomes 0.00001 and 0.00002.
gnomAD v4.1: 16 of 1,612,808 alleles (0.00099%); highest among the groups gnomAD compares: Admixed American, 0.0083%; no homozygotes.

Submission:

Labcorp Genetics (formerly Invitae), Labcorp
Classification: Uncertain significance for Hypertrophic cardiomyopathy. Last evaluated: 2022-10-19. Review status: criteria provided, single submitter. Criteria: Invitae Variant Classification Sherloc (09022015). Collection method: clinical testing. Allele origin: germline.
Comment: In summary, the available evidence is currently insufficient to determine the role of this variant in disease. Therefore, it has been classified as a Variant of Uncertain Significance. ClinVar contains an entry for this variant (Variation ID: 1422387). This variant has not been reported in the literature in individuals affected with MYOM1-related conditions. This variant is present in population databases (no rsID available, gnomAD 0.01%). This sequence change creates a premature translational stop signal (p.Trp1087*) in the MYOM1 gene. It is expected to result in an absent or disrupted protein product. However, the current clinical and genetic evidence is not sufficient to establish whether loss-of-function variants in MYOM1 cause disease.